The following is an entry in ClinVar:

ClinVar aggregate classification (germline): Uncertain significance (1 of 4 stars; one submission).

Conditions:
Charcot-Marie-Tooth disease type 2. Also called: Charcot-Marie-Tooth type 2. Identifiers: Orphanet 64746, MedGen C0270914, MONDO:0018993.

Submission:

Labcorp Genetics (formerly Invitae), Labcorp
Classification: Uncertain significance for Charcot-Marie-Tooth disease type 2. Last evaluated: 2019-04-26. Review status: criteria provided, single submitter. Criteria: Invitae Variant Classification Sherloc (09022015). Collection method: clinical testing. Allele origin: germline.
Comment: In summary, the available evidence is currently insufficient to determine the role of this variant in disease. Therefore, it has been classified as a Variant of Uncertain Significance. The current clinical and genetic evidence is not sufficient to establish whether loss-of-function variants in MED25 cause disease. This variant has not been reported in the literature in individuals with MED25-related conditions. This variant is not present in population databases (ExAC no frequency). This sequence change creates a premature translational stop signal (p.Leu35Serfs*179) in the MED25 gene. It is expected to result in an absent or disrupted protein product.

NM_030973.4(MED25):c.102del (p.Leu35fs)

Gene: MED25 (mediator complex subunit 25; plus strand). Cytogenetic location: 19q13.33.
Variant type: Deletion.
Coding change: c.102del on transcript NM_030973.4 (MANE Select); coding-DNA position 102, one base deleted (G; older notation c.102delG).
Protein change: p.Leu35fs; shifts the reading frame from leucine 35.
Molecular consequence: frameshift variant.
Genome position (GRCh38, 1-based): chr19:49,818,443, G deleted; the last of 4 consecutive G bases (chr19:49,818,440-49,818,443); deleting any one gives the same sequence. VCF-style (leftmost placement, unchanged base first): chr19-49818439-AG-A. GRCh37 (hg19) VCF-style: chr19-50321696-AG-A.
Other names: c.102del, p.Leu35fs (NM_001378355.1); short protein forms L35fs.
Identifiers: ClinVar variation 949948 (VCV000949948.7), dbSNP rs2073953986, ClinGen allele CA1139666532.